The following is an entry in ClinVar:

NM_002454.3(MTRR):c.1573C>T (p.Arg525Ter)

Gene: MTRR (5-methyltetrahydrofolate-homocysteine methyltransferase reductase; plus strand). Cytogenetic location: 5p15.31.
Variant type: single nucleotide variant.
Coding change: c.1573C>T on transcript NM_002454.3 (MANE Select); coding-DNA position 1573, C replaced by T.
Protein change: p.Arg525Ter; replaces arginine 525 with a stop codon.
Molecular consequence: nonsense. On other transcripts: non-coding transcript variant (14).
Genome position (GRCh38, 1-based): chr5:7,895,749, C>T. VCF-style: chr5-7895749-C-T. GRCh37 (hg19) VCF-style: chr5-7895862-C-T.
Other names: c.1573C>T, p.Arg525Ter (NM_001364440.2, NM_001364441.2, NM_001364442.2 and 1 more transcripts); short protein forms R525*.
Identifiers: ClinVar variation 265421 (VCV000265421.20), dbSNP rs147277149, ClinGen allele CA10588405.

ClinVar aggregate classification (germline): Pathogenic. Review status: criteria provided, multiple submitters, no conflicts (2 of 4 stars). 5 submissions from 5 submitters: Pathogenic (5). Last evaluated 2026-01-29.

Conditions:
Neural tube defects, folate-sensitive (NTDFS). Also called: NTD, FOLATE-SENSITIVE. Identifiers: Orphanet 823, MedGen C1866558, MONDO:0011120, OMIM 601634.
Methylcobalamin deficiency type cblE (HMAE). Also called: VITAMIN B12-RESPONSIVE HOMOCYSTINURIA, cblE TYPE; HOMOCYSTINURIA-MEGALOBLASTIC ANEMIA, cblE COMPLEMENTATION TYPE; HOMOCYSTINURIA-MEGALOBLASTIC ANEMIA, cblE TYPE. Identifiers: Orphanet 2169, Orphanet 622, MedGen C1856057, MONDO:0009354, OMIM 236270.

Allele frequency attached by ClinVar (database versions not stated): gnomAD exomes 0.00002 and 0.00008; TOPMed 0.00005; gnomAD 0.00007; ESP Exome Variant Server 0.00008.
gnomAD v4.1: 129 of 1,613,898 alleles (0.008%); highest among the groups gnomAD compares: Non-Finnish European, 0.01%; no homozygotes.

Submissions (5):

Natera, Inc.
Classification: Pathogenic for CblE complementation type homocystinuria-megaloblastic anemia due to defect in cobalamin metabolism. Last evaluated: 2026-01-29. Review status: criteria provided, single submitter. Criteria: Natera Variant Classification Schema (03/2026). Collection method: clinical testing. Allele origin: germline.
Comment: The c.1573C>T variant in MTRR is a nonsense variant predicted to introduce a stop codon at amino acid 525. This variant is expected to result in nonsense mediated decay, truncation, or a dysfunctional protein product. This variant is rare in the general population with a frequency below the threshold expected for the associated phenotype(s). This variant has been observed in one or more individuals affected with the associated recessive disease, as either homozygous or compound heterozygous with a second variant (PMID: 15714522). Given the available evidence, this variant is classified as Pathogenic.

Labcorp Genetics (formerly Invitae), Labcorp
Classification: Pathogenic for Methylcobalamin deficiency type cblE. Last evaluated: 2026-01-22. Review status: criteria provided, single submitter. Criteria: Invitae Variant Classification Sherloc (09022015). Collection method: clinical testing. Allele origin: germline.
Comment: This sequence change creates a premature translational stop signal (p.Arg525*) in the MTRR gene. It is expected to result in an absent or disrupted protein product. Loss-of-function variants in MTRR are known to be pathogenic (PMID: 15714522). This variant is present in population databases (rs147277149, gnomAD 0.004%). This premature translational stop signal has been observed in individual(s) with cblE type of homocystinuria (PMID: 15714522, 22887477). In at least one individual the data is consistent with being in trans (on the opposite chromosome) from a pathogenic variant. ClinVar contains an entry for this variant (Variation ID: 265421). Algorithms developed to predict the effect of sequence changes on RNA splicing suggest that this variant may disrupt the consensus splice site. For these reasons, this variant has been classified as Pathogenic.

Fulgent Genetics
Classification: Pathogenic for Methylcobalamin deficiency type cblE; Neural tube defects, folate-sensitive. Last evaluated: 2024-06-06. Review status: criteria provided, single submitter. Criteria: ACMG Guidelines, 2015. Collection method: clinical testing. Allele origin: germline.

Baylor Genetics
Classification: Pathogenic for Neural tube defects, folate-sensitive. Last evaluated: 2024-03-16. Review status: criteria provided, single submitter. Criteria: ACMG Guidelines, 2015. Collection method: clinical testing. Allele origin: unknown.

GeneDx
Classification: Pathogenic. Last evaluated: 2016-07-13. Review status: criteria provided, single submitter. Criteria: GeneDx Variant Classification (06012015). Collection method: clinical testing. Allele origin: germline. Affected: yes.
Comment: The R525X pathogenic variant in the MTRR gene has been reported previously in association with homocystinuria-megaloblastic anemia, cblE complementation type, in an affected individual who was compound heterozygous for the R525X variant and another variant (ZavadÃ¡kovÃ¡ et al., 2005). This variant is predicted to cause loss of normal protein function either through protein truncation or nonsense-mediated mRNA decay. The R525X variant was not observed at any significant frequency in approximately 6,500 individuals of European and African American ancestry in the NHLBI Exome Sequencing Project, indicating it is not a common benign variant in these populations. We interpret R525X as a pathogenic variant.

Literature cited by the submitters: PubMed 15714522 (cited by Natera, Inc. and Labcorp Genetics (formerly Invitae), Labcorp); PubMed 22887477 (cited by Labcorp Genetics (formerly Invitae), Labcorp).